The following is an entry in ClinVar:

ClinVar aggregate classification (germline): Likely pathogenic (0 of 4 stars; one submission).

Conditions:
Marfan syndrome (MFS). Also called: MARFAN SYNDROME, TYPE I; Marfan syndrome type 1; Marfan's syndrome; FBN1-Related Marfan Syndrome; Marfan syndrome, classic. Identifiers: Orphanet 284963, Orphanet 558, MedGen C0024796, MONDO:0007947, OMIM 154700.

Submission:

Department of Laboratory Medicine and Genetics, Samsung Medical Center
Classification: Likely pathogenic for Marfan syndrome. Last evaluated: 2025-01-02. Review status: no assertion criteria provided. Collection method: clinical testing. Allele origin: germline.
Comment: The NM_000138.5:c.6669C>A is considered to be rare in the general population database (gnomAD v2.1.1). This variant is predicted to be deleterious by in-silico analysis (REVEL). This variant is located in functional domains and a different missense variant at the same residue is determined to be pathogenic (c.6667A>C, p.Asn2223His). In summary, this variant was classified as a likely pathogenic variant for Marfan syndrome (PM1, PM5, PP2, PP3, PM2_P).

Literature cited by the submitters: PubMed 37558401.

NM_000138.5(FBN1):c.6669C>A (p.Asn2223Lys)

Gene: FBN1 (fibrillin 1; minus strand). Cytogenetic location: 15q21.1.
Variant type: single nucleotide variant.
Coding change: c.6669C>A on transcript NM_000138.5 (MANE Select); coding-DNA position 6669, C replaced by A.
Protein change: p.Asn2223Lys; replaces asparagine 2223 with lysine.
Molecular consequence: missense variant.
Genome position (GRCh38, 1-based): chr15:48,432,936, G>T on the plus strand (C>A on the coding strand, the complement: FBN1 is on the minus strand). VCF-style: chr15-48432936-G-T. GRCh37 (hg19) VCF-style: chr15-48725133-G-T.
Other names: c.6669C>A, p.Asn2223Lys (NM_001406716.1); short protein forms N2223K.
Identifiers: ClinVar variation 3600252 (VCV003600252.1).